The following is an entry in ClinVar:

ClinVar aggregate classification (germline): Uncertain significance (1 of 4 stars; one submission).

Submission:

GeneDx
Classification: Uncertain significance. Last evaluated: 2022-07-11. Review status: criteria provided, single submitter. Criteria: GeneDx Variant Classification Process June 2021. Collection method: clinical testing. Allele origin: germline. Affected: yes.
Comment: Not observed at significant frequency in large population cohorts (gnomAD); In silico analysis supports that this missense variant has a deleterious effect on protein structure/function; Has not been previously published as pathogenic or benign to our knowledge

NM_000088.4(COL1A1):c.2824C>T (p.Pro942Ser)

Gene: COL1A1 (collagen type I alpha 1 chain; minus strand). Cytogenetic location: 17q21.33.
Variant type: single nucleotide variant.
Coding change: c.2824C>T on transcript NM_000088.4 (MANE Select); coding-DNA position 2824, C replaced by T.
Protein change: p.Pro942Ser; replaces proline 942 with serine.
Molecular consequence: missense variant.
Genome position (GRCh38, 1-based): chr17:50,189,382, G>A on the plus strand (C>T on the coding strand, the complement: COL1A1 is on the minus strand). VCF-style: chr17-50189382-G-A. GRCh37 (hg19) VCF-style: chr17-48266743-G-A.
Other names: short protein forms P942S.
Identifiers: ClinVar variation 1878950 (VCV001878950.1), dbSNP rs2509183447, ClinGen allele CA400205385.